The following is an entry in ClinVar:

NM_001904.4(CTNNB1):c.1630C>T (p.His544Tyr)

Genes: CTNNB1 (catenin beta 1; plus strand), LOC126806659 (BRD4-independent group 4 enhancer GRCh37_chr3:41274918-41276117; plus strand). Cytogenetic location: 3p22.1.
Variant type: single nucleotide variant.
Coding change: c.1630C>T on transcript NM_001904.4 (MANE Select); coding-DNA position 1630, C replaced by T.
Protein change: p.His544Tyr; replaces histidine 544 with tyrosine.
Molecular consequence: missense variant.
Genome position (GRCh38, 1-based): chr3:41,234,244, C>T. VCF-style: chr3-41234244-C-T. GRCh37 (hg19) VCF-style: chr3-41275735-C-T.
Other names: c.1630C>T, p.His544Tyr (NM_001098209.2, NM_001098210.2); c.1609C>T, p.His537Tyr (NM_001330729.2); c.1630C>T (NM_001904.3); short protein forms H537Y, H544Y.
Identifiers: ClinVar variation 1379299 (VCV001379299.7), dbSNP rs2125642066, ClinGen allele CA352234338.

ClinVar aggregate classification (germline): Uncertain significance. Review status: criteria provided, multiple submitters, no conflicts (2 of 4 stars). 2 submissions from 2 submitters: Uncertain significance (2). Last evaluated 2024-12-19.

Submissions (2):

GeneDx
Classification: Uncertain significance. Last evaluated: 2024-12-19. Review status: criteria provided, single submitter. Criteria: GeneDx Variant Classification Process June 2021. Collection method: clinical testing. Allele origin: germline. Affected: yes.
Comment: Not observed at significant frequency in large population cohorts (gnomAD); In silico analysis indicates that this missense variant does not alter protein structure/function; Has not been previously published as pathogenic or benign to our knowledge

Labcorp Genetics (formerly Invitae), Labcorp
Classification: Uncertain significance. Last evaluated: 2021-09-02. Review status: criteria provided, single submitter. Criteria: Invitae Variant Classification Sherloc (09022015). Collection method: clinical testing. Allele origin: germline.
Comment: This sequence change replaces histidine with tyrosine at codon 544 of the CTNNB1 protein (p.His544Tyr). The histidine residue is moderately conserved and there is a moderate physicochemical difference between histidine and tyrosine. In summary, the available evidence is currently insufficient to determine the role of this variant in disease. Therefore, it has been classified as a Variant of Uncertain Significance. Algorithms developed to predict the effect of missense changes on protein structure and function (SIFT, PolyPhen-2, Align-GVGD) all suggest that this variant is likely to be tolerated. This variant has not been reported in the literature in individuals affected with CTNNB1-related conditions. This variant is not present in population databases (ExAC no frequency).